The following is an entry in ClinVar:

NM_000038.6(APC):c.2559G>T (p.Glu853Asp)

Gene: APC (APC regulator of Wnt signaling pathway; plus strand). Cytogenetic location: 5q22.2.
Variant type: single nucleotide variant.
Coding change: c.2559G>T on transcript NM_000038.6 (MANE Select); coding-DNA position 2559, G replaced by T.
Protein change: p.Glu853Asp; replaces glutamic acid 853 with aspartic acid.
Molecular consequence: missense variant.
Genome position (GRCh38, 1-based): chr5:112,838,153, G>T. VCF-style: chr5-112838153-G-T. GRCh37 (hg19) VCF-style: chr5-112173850-G-T.
Other names: c.2559G>T, p.Glu853Asp (NM_001127510.3, NM_001354895.2, NM_001407450.1); c.2505G>T, p.Glu835Asp (NM_001127511.3); c.2613G>T, p.Glu871Asp (NM_001354896.2, NM_001407447.1, NM_001407448.1 and 1 more transcripts); c.2589G>T, p.Glu863Asp (NM_001354897.2); c.2484G>T, p.Glu828Asp (NM_001354898.2); c.2475G>T, p.Glu825Asp (NM_001354899.2); c.2436G>T, p.Glu812Asp (NM_001354900.2); c.2382G>T, p.Glu794Asp (NM_001354901.2, NM_001407453.1); and 11 more; short protein forms E752D, E794D, E828D, E881D, E693D, E724D, E812D, E835D.
Identifiers: ClinVar variation 1793047 (VCV001793047.2), dbSNP rs1554084265, ClinGen allele CA16026941.

ClinVar aggregate classification (germline): Uncertain significance (1 of 4 stars; one submission).

Conditions:
Hereditary cancer-predisposing syndrome. Also called: Tumor predisposition; Hereditary Cancer Syndrome; Neoplastic Syndromes, Hereditary; Hereditary neoplastic syndrome. Identifiers: Orphanet 140162, MedGen C0027672, MeSH D009386, MONDO:0015356.

Submission:

Ambry Genetics
Classification: Uncertain significance for Hereditary cancer-predisposing syndrome. Last evaluated: 2022-04-22. Review status: criteria provided, single submitter. Criteria: Ambry Variant Classification Scheme 2023. Collection method: clinical testing. Allele origin: germline.
Comment: The p.E853D variant (also known as c.2559G>T), located in coding exon 15 of the APC gene, results from a G to T substitution at nucleotide position 2559. The glutamic acid at codon 853 is replaced by aspartic acid, an amino acid with highly similar properties. This amino acid position is conserved. In addition, in silico predictors for this gene do not accurately predict pathogenicity. Since supporting evidence is limited at this time, the clinical significance of this alteration remains unclear.